The following is an entry in ClinVar:

ClinVar aggregate classification (germline): Uncertain significance. Review status: criteria provided, multiple submitters, no conflicts (2 of 4 stars). 3 submissions from 3 submitters: Uncertain significance (3). Last evaluated 2024-02-10.

Conditions:
Colorectal cancer, susceptibility to, 1. Also called: COLORECTAL ADENOMA AND CANCER, SUSCEPTIBILITY TO; COLORECTAL CANCER, SUSCEPTIBILITY TO, ON CHROMOSOME 9. Identifiers: MedGen C1837315, MONDO:0012132, OMIM 608812.

Allele frequency attached by ClinVar (database versions not stated): gnomAD exomes below 0.00001 and 0.00001; ExAC 0.00001; TOPMed 0.00001.
gnomAD v4.1: 2 of 1,614,208 alleles (0.00012%); highest among the groups gnomAD compares: African/African-American, 0.0027%; no homozygotes.

Submissions (3):

Ambry Genetics
Classification: Uncertain significance. Last evaluated: 2024-02-10. Review status: criteria provided, single submitter. Criteria: Ambry Variant Classification Scheme 2023. Collection method: clinical testing. Allele origin: germline.
Comment: The p.G537V variant (also known as c.1610G>T), located in coding exon 10 of the GALNT12 gene, results from a G to T substitution at nucleotide position 1610. The glycine at codon 537 is replaced by valine, an amino acid with dissimilar properties. This amino acid position is conserved. In addition, the in silico prediction for this alteration is inconclusive. Since supporting evidence is limited at this time, the clinical significance of this alteration remains unclear.

Baylor Genetics
Classification: Uncertain significance for Colorectal cancer, susceptibility to, 1. Last evaluated: 2024-01-22. Review status: criteria provided, single submitter. Criteria: ACMG Guidelines, 2015. Collection method: clinical testing. Allele origin: unknown.

Labcorp Genetics (formerly Invitae), Labcorp
Classification: Uncertain significance. Last evaluated: 2021-04-05. Review status: criteria provided, single submitter. Criteria: Invitae Variant Classification Sherloc (09022015). Collection method: clinical testing. Allele origin: germline.
Comment: This variant has not been reported in the literature in individuals with GALNT12-related conditions. Algorithms developed to predict the effect of missense changes on protein structure and function are either unavailable or do not agree on the potential impact of this missense change (SIFT: "Deleterious"; PolyPhen-2: "Probably Damaging"; Align-GVGD: "Class C0"). Algorithms developed to predict the effect of sequence changes on RNA splicing suggest that this variant may create or strengthen a splice site, but this prediction has not been confirmed by published transcriptional studies. In summary, the available evidence is currently insufficient to determine the role of this variant in disease. Therefore, it has been classified as a Variant of Uncertain Significance. This sequence change replaces glycine with valine at codon 537 of the GALNT12 protein (p.Gly537Val). The glycine residue is highly conserved and there is a moderate physicochemical difference between glycine and valine. This variant is present in population databases (rs756834523, ExAC 0.01%).

NM_024642.5(GALNT12):c.1610G>T (p.Gly537Val)

Gene: GALNT12 (polypeptide N-acetylgalactosaminyltransferase 12; plus strand). Cytogenetic location: 9q22.33.
Variant type: single nucleotide variant.
Coding change: c.1610G>T on transcript NM_024642.5 (MANE Select); coding-DNA position 1610, G replaced by T.
Protein change: p.Gly537Val; replaces glycine 537 with valine.
Molecular consequence: missense variant.
Genome position (GRCh38, 1-based): chr9:98,848,956, G>T. VCF-style: chr9-98848956-G-T. GRCh37 (hg19) VCF-style: chr9-101611238-G-T.
Other names: short protein forms G537V.
Identifiers: ClinVar variation 1380848 (VCV001380848.11), dbSNP rs756834523, ClinGen allele CA5154330.
Genomic context (GRCh38, chr9:98,848,956, plus strand): 5'-TTTAGGAAAAAGAGACTTTTCTGATGACTTGCCTGTCATTCTGTTATCTTTTGTAGGATG[G>T]ATCTTTATTTCACGAACAGTCCAAGAAATGTGTCCAGGCTGCGAGGAAGGAGTCGAGTGA-3'
Protein context (NP_078918.3, residues 527-547): ENQKFILQED[Gly537Val]SLFHEQSKKC